The following is an entry in ClinVar:

NM_182641.4(BPTF):c.5709-14T>G

Gene: BPTF (bromodomain PHD finger transcription factor; plus strand). Cytogenetic location: 17q24.2.
Variant type: single nucleotide variant.
Coding change: c.5709-14T>G on transcript NM_182641.4 (MANE Select); 14 bases into the intron before coding-DNA position 5709, T replaced by G.
Molecular consequence: intron variant.
Genome position (GRCh38, 1-based): chr17:67,924,533, T>G. VCF-style: chr17-67924533-T-G. GRCh37 (hg19) VCF-style: chr17-65920649-T-G.
Other names: c.6087-14T>G (NM_004459.7).
Identifiers: ClinVar variation 931189 (VCV000931189.3), dbSNP rs76697088, ClinGen allele CA1139665841.
Genomic context (GRCh38, chr17:67,924,533, plus strand): 5'-CAGATTTCACTCTTATTAGATGCCAGATGCCTAACAGGCTAGTTTCTGATAAGTTTCTCC[T>G]TTTTTTCCTGCAGAGTGGAGAAAGAAAAGGCACAAGCAGTTGAGCAACAGGCTAAGGTTA-3'

ClinVar aggregate classification (germline): Uncertain significance (1 of 4 stars; one submission).

Conditions:
Neurodevelopmental disorder with dysmorphic facies and distal limb anomalies. Identifiers: Orphanet 686482, MedGen C4540327, MONDO:0060596, OMIM 617755.

Allele frequency attached by ClinVar (database versions not stated): gnomAD exomes below 0.00001.
gnomAD v4.1: 2 of 1,608,146 alleles (0.00012%); highest among the groups gnomAD compares: Non-Finnish European, 0.00017%; no homozygotes.

Submission:

Centre for Mendelian Genomics, University Medical Centre Ljubljana
Classification: Uncertain significance for Neurodevelopmental disorder with dysmorphic facies and distal limb anomalies. Last evaluated: 2019-12-24. Review status: criteria provided, single submitter. Criteria: ACMG Guidelines, 2015. Collection method: clinical testing. Allele origin: unknown. Affected: yes.
Comment: This variant was classified as: Uncertain significance. The available evidence on this variant's pathogenicity is insufficient or conflicting. The following ACMG criteria were applied in classifying this variant: PM2.